The following is an entry in ClinVar:

NM_144997.7(FLCN):c.212C>T (p.Ser71Phe)

Gene: FLCN (folliculin; minus strand). Cytogenetic location: 17p11.2.
Variant type: single nucleotide variant.
Coding change: c.212C>T on transcript NM_144997.7 (MANE Select); coding-DNA position 212, C replaced by T.
Protein change: p.Ser71Phe; replaces serine 71 with phenylalanine.
Molecular consequence: missense variant.
Genome position (GRCh38, 1-based): chr17:17,227,926, G>A on the plus strand (C>T on the coding strand, the complement: FLCN is on the minus strand). VCF-style: chr17-17227926-G-A. GRCh37 (hg19) VCF-style: chr17-17131240-G-A.
Other names: c.212C>T (LRG_325t1); c.212C>T, p.Ser71Phe (NM_001353229.2, NM_001353230.2, NM_001353231.2 and 1 more transcripts); short protein forms S71F.
Identifiers: ClinVar variation 460608 (VCV000460608.5), dbSNP rs1555611399, ClinGen allele CA398535091.

ClinVar aggregate classification (germline): Uncertain significance (1 of 4 stars; one submission).

Conditions:
Birt-Hogg-Dube syndrome. Also called: Birt Hogg Dubé syndrome. Identifiers: Orphanet 122, MedGen C0346010, MONDO:0800444.

Submission:

Labcorp Genetics (formerly Invitae), Labcorp
Classification: Uncertain significance for Birt-Hogg-Dube syndrome. Last evaluated: 2017-07-03. Review status: criteria provided, single submitter. Criteria: Invitae Variant Classification Sherloc (09022015). Collection method: clinical testing. Allele origin: germline.
Comment: This variant is not present in population databases (ExAC no frequency). This sequence change replaces serine with phenylalanine at codon 71 of the FLCN protein (p.Ser71Phe). The serine residue is moderately conserved and there is a large physicochemical difference between serine and phenylalanine. Algorithms developed to predict the effect of missense changes on protein structure and function do not agree on the potential impact of this missense change (SIFT: "Deleterious"; PolyPhen-2: "Benign"; Align-GVGD: "Class C15"). This variant has not been reported in the literature in individuals with FLCN-related disease. In summary, the available evidence is currently insufficient to determine the role of this variant in disease. Therefore, it has been classified as a Variant of Uncertain Significance.